The following is an entry in ClinVar:

NM_003737.4(DCHS1):c.7439C>T (p.Pro2480Leu)

Gene: DCHS1 (dachsous cadherin-related 1; minus strand). Cytogenetic location: 11p15.4.
Variant type: single nucleotide variant.
Coding change: c.7439C>T on transcript NM_003737.4 (MANE Select); coding-DNA position 7439, C replaced by T.
Protein change: p.Pro2480Leu; replaces proline 2480 with leucine.
Molecular consequence: missense variant.
Genome position (GRCh38, 1-based): chr11:6,624,237, G>A on the plus strand (C>T on the coding strand, the complement: DCHS1 is on the minus strand). VCF-style: chr11-6624237-G-A. GRCh37 (hg19) VCF-style: chr11-6645468-G-A.
Other names: short protein forms P2480L.
Identifiers: ClinVar variation 2269733 (VCV002269733.5), dbSNP rs199984185, ClinGen allele CA5859601.

ClinVar aggregate classification (germline): Uncertain significance. Review status: criteria provided, multiple submitters, no conflicts (2 of 4 stars). 2 submissions from 2 submitters: Uncertain significance (2). Last evaluated 2023-11-12.

Conditions:
Inborn genetic diseases. Identifiers: MedGen C0950123, MeSH D030342.

Allele frequency attached by ClinVar (database versions not stated): ExAC 0.00001; gnomAD exomes 0.00001; gnomAD 0.00002; TOPMed 0.00002.
gnomAD v4.1: 13 of 1,612,776 alleles (0.00081%); highest among the groups gnomAD compares: East Asian, 0.0022%; no homozygotes.

Submissions (2):

Labcorp Genetics (formerly Invitae), Labcorp
Classification: Uncertain significance. Last evaluated: 2023-11-12. Review status: criteria provided, single submitter. Criteria: Invitae Variant Classification Sherloc (09022015). Collection method: clinical testing. Allele origin: germline.
Comment: This sequence change replaces proline, which is neutral and non-polar, with leucine, which is neutral and non-polar, at codon 2480 of the DCHS1 protein (p.Pro2480Leu). This variant is present in population databases (rs199984185, gnomAD 0.003%). This variant has not been reported in the literature in individuals affected with DCHS1-related conditions. ClinVar contains an entry for this variant (Variation ID: 2269733). Advanced modeling of protein sequence and biophysical properties (such as structural, functional, and spatial information, amino acid conservation, physicochemical variation, residue mobility, and thermodynamic stability) performed at Invitae indicates that this missense variant is not expected to disrupt DCHS1 protein function with a negative predictive value of 80%. In summary, the available evidence is currently insufficient to determine the role of this variant in disease. Therefore, it has been classified as a Variant of Uncertain Significance.

Ambry Genetics
Classification: Uncertain significance for Inborn genetic diseases. Last evaluated: 2022-01-04. Review status: criteria provided, single submitter. Criteria: Ambry Variant Classification Scheme 2023. Collection method: clinical testing. Allele origin: germline.